The following is an entry in ClinVar:

NM_003072.5(SMARCA4):c.355+3A>G

Gene: SMARCA4 (SWI/SNF related BAF chromatin remodeling complex subunit ATPase 4; plus strand). Cytogenetic location: 19p13.2.
Variant type: single nucleotide variant.
Coding change: c.355+3A>G on transcript NM_003072.5 (MANE Select); 3 bases into the intron after coding-DNA position 355, A replaced by G.
Molecular consequence: intron variant.
Genome position (GRCh38, 1-based): chr19:10,985,408, A>G. VCF-style: chr19-10985408-A-G. GRCh37 (hg19) VCF-style: chr19-11096084-A-G.
Other names: c.355+3A>G (NM_001128844.3, NM_001128849.3, NM_001128847.4 and 6 more transcripts).
Identifiers: ClinVar variation 3798873 (VCV003798873.1).

ClinVar aggregate classification (germline): Uncertain significance (1 of 4 stars; one submission).

Conditions:
Hereditary cancer-predisposing syndrome. Also called: Neoplastic Syndromes, Hereditary; Hereditary Cancer Syndrome; Tumor predisposition; Hereditary neoplastic syndrome. Identifiers: Orphanet 140162, MedGen C0027672, MeSH D009386, MONDO:0015356.

Submission:

Ambry Genetics
Classification: Uncertain significance for Hereditary cancer-predisposing syndrome. Last evaluated: 2025-02-26. Review status: criteria provided, single submitter. Criteria: Ambry Variant Classification Scheme 2023. Collection method: clinical testing. Allele origin: germline.
Comment: The c.355+3A>G intronic variant results from an A to G substitution 3 nucleotides after coding exon 2 in the SMARCA4 gene. This nucleotide position is highly conserved in available vertebrate species. In silico splice site analysis predicts that this alteration will not have any significant effect on splicing. Based on the available evidence, the clinical significance of this variant remains unclear.